The following is an entry in ClinVar:

ClinVar aggregate classification (germline): Uncertain significance (1 of 4 stars; one submission).

Submission:

GeneDx
Classification: Uncertain significance. Last evaluated: 2019-07-31. Review status: criteria provided, single submitter. Criteria: GeneDx Variant Classification Process June 2021. Collection method: clinical testing. Allele origin: germline. Affected: yes.
Comment: Not observed in large population cohorts (Lek et al., 2016); In silico analysis, which includes protein predictors and evolutionary conservation, supports that this variant does not alter protein structure/function; Has not been previously published as pathogenic or benign to our knowledge

NM_001330078.2(NRXN1):c.772+1053T>C

Gene: NRXN1 (neurexin 1; minus strand). Cytogenetic location: 2p16.3.
Variant type: single nucleotide variant.
Coding change: c.772+1053T>C on transcript NM_001330078.2 (MANE Select); 1053 bases into the intron after coding-DNA position 772, T replaced by C.
Molecular consequence: intron variant. On other transcripts: missense variant (1).
Genome position (GRCh38, 1-based): chr2:51,026,449, A>G on the plus strand (T>C on the coding strand, the complement: NRXN1 is on the minus strand). VCF-style: chr2-51026449-A-G. GRCh37 (hg19) VCF-style: chr2-51253587-A-G.
Other names: c.793T>C, p.Cys265Arg (NM_001135659.3); c.772+1053T>C (NM_001330096.2, NM_001330087.2, NM_001330083.2 and 14 more transcripts); short protein forms C265R.
Identifiers: ClinVar variation 1316172 (VCV001316172.2), dbSNP rs757831813, ClinGen allele CA346823254.